The following is an entry in ClinVar:

ClinVar aggregate classification (germline): Uncertain significance. Review status: criteria provided, multiple submitters, no conflicts (2 of 4 stars). 2 submissions from 2 submitters: Uncertain significance (2). Last evaluated 2022-02-16.

Conditions:
Intellectual developmental disorder, autosomal dominant 6, with or without seizures. Also called: Intellectual disability, autosomal dominant 6; GRIN2B-related developmental delay, intellectual disability and autism spectrum disorder. Identifiers: Orphanet 589547, MedGen C3151411, MONDO:0013509, OMIM 613970.
Developmental and epileptic encephalopathy, 27 (DEE27). Also called: GRIN2B-Related Neurodevelopmental Disorder; Epileptic encephalopathy, early infantile, 27. Identifiers: Orphanet 3451, MedGen C4015316, MONDO:0014505, OMIM 616139.

Allele frequency attached by ClinVar (database versions not stated): ExAC 0.00001; gnomAD exomes 0.00001.
gnomAD v4.1: 17 of 1,614,238 alleles (0.0011%); highest among the groups gnomAD compares: Admixed American, 0.0017%; no homozygotes.

Submissions (2):

Fulgent Genetics
Classification: Uncertain significance for Intellectual developmental disorder, autosomal dominant 6, with or without seizures; Developmental and epileptic encephalopathy, 27. Last evaluated: 2022-02-16. Review status: criteria provided, single submitter. Criteria: ACMG Guidelines, 2015. Collection method: clinical testing. Allele origin: unknown.

GeneDx
Classification: Uncertain significance. Last evaluated: 2016-12-01. Review status: criteria provided, single submitter. Criteria: GeneDx Variant Classification (06012015). Collection method: clinical testing. Allele origin: germline. Affected: yes.
Comment: A variant of uncertain significance has been identified in the GRIN2B gene. The S920N variant has not been published as a pathogenic variant, nor has it been reported as a benign variant to our knowledge. The S920N variant is not observed at a significant frequency in large population cohorts (Lek et al., 2016; 1000 Genomes Consortium et al., 2015; Exome Variant Server). This substitution occurs at a position that is conserved across species. However, the S920N variant is a conservative amino acid substitution, which is not likely to impact secondary protein structure as these residues share similar properties. In silico analysis is inconsistent in its predictions as to whether or not the variant is damaging to the protein structure/function. Therefore, based on the currently available information, it is unclear whether this variant is a pathogenic variant or a rare benign variant.

NM_000834.5(GRIN2B):c.2759G>A (p.Ser920Asn)

Gene: GRIN2B (glutamate ionotropic receptor NMDA type subunit 2B; minus strand). Cytogenetic location: 12p13.1.
Variant type: single nucleotide variant.
Coding change: c.2759G>A on transcript NM_000834.5 (MANE Select); coding-DNA position 2759, G replaced by A.
Protein change: p.Ser920Asn; replaces serine 920 with asparagine.
Molecular consequence: missense variant.
Genome position (GRCh38, 1-based): chr12:13,564,479, C>T on the plus strand (G>A on the coding strand, the complement: GRIN2B is on the minus strand). VCF-style: chr12-13564479-C-T. GRCh37 (hg19) VCF-style: chr12-13717413-C-T.
Other names: short protein forms S920N.
Identifiers: ClinVar variation 373655 (VCV000373655.3), dbSNP rs781442804, ClinGen allele CA6460986.